The following is an entry in ClinVar:

ClinVar aggregate classification (germline): Uncertain significance (1 of 4 stars; one submission).

Conditions:
Glycogen storage disease, type I. Identifiers: Orphanet 364, MedGen C0017920, MONDO:0002413.

Submission:

Myriad Genetics, Inc.
Classification: Uncertain significance for Glycogen storage disease, type I. Last evaluated: 2026-08-18. Review status: criteria provided, single submitter. Criteria: Myriad Autosomal Dominant, Autosomal Recessive and X-Linked Classification Criteria (2023). Collection method: clinical testing. Allele origin: unknown.
Comment: NM_001164277.1(SLC37A4):c.-14T>G is noncoding variant classified as a variant of uncertain significance in the context of glycogen storage disease type Ib. c.-14T>G has not been observed in cases with relevant disease. Relevant functional assessments of this variant are not available in the literature. c.-14T>G has not been observed in referenced population frequency databases. In summary, there is insufficient evidence to classify NM_001164277.1(SLC37A4):c.-14T>G as pathogenic or benign. Please note: this variant was assessed in the context of healthy population screening.

NM_001164277.2(SLC37A4):c.-14T>G

Gene: SLC37A4 (solute carrier family 37 member 4; minus strand). Cytogenetic location: 11q23.3.
Variant type: single nucleotide variant.
Coding change: c.-14T>G on transcript NM_001164277.2 (MANE Select); 14 bases upstream of the start codon, T replaced by G.
Molecular consequence: 5 prime UTR variant. On other transcripts: intron variant (1).
Genome position (GRCh38, 1-based): chr11:119,029,383, A>C on the plus strand (T>G on the coding strand, the complement: SLC37A4 is on the minus strand). VCF-style: chr11-119029383-A-C. GRCh37 (hg19) VCF-style: chr11-118900093-A-C.
Other names: c.-14T>G (NM_001164278.2, NM_001164280.2, NM_001467.6); c.-172+9T>G (NM_001164279.2).
Identifiers: ClinVar variation 5003996 (VCV005003996.1).